The following is an entry in ClinVar:

NM_000195.5(HPS1):c.1337G>A (p.Ser446Asn)

Gene: HPS1 (HPS1 biogenesis of lysosomal organelles complex 3 subunit 1; minus strand). Cytogenetic location: 10q24.2.
Variant type: single nucleotide variant.
Coding change: c.1337G>A on transcript NM_000195.5 (MANE Select); coding-DNA position 1337, G replaced by A.
Protein change: p.Ser446Asn; replaces serine 446 with asparagine.
Molecular consequence: missense variant.
Genome position (GRCh38, 1-based): chr10:98,424,373, C>T on the plus strand (G>A on the coding strand, the complement: HPS1 is on the minus strand). VCF-style: chr10-98424373-C-T. GRCh37 (hg19) VCF-style: chr10-100184130-C-T.
Other names: c.365G>A, p.Ser122Asn (NM_001311345.2, NM_001322487.2, NM_001322489.2); c.1337G>A, p.Ser446Asn (NM_001322476.2, NM_001322477.2); c.1238G>A, p.Ser413Asn (NM_001322478.2, NM_001322479.2); c.1076G>A, p.Ser359Asn (NM_001322480.2, NM_001322481.2); c.977G>A, p.Ser326Asn (NM_001322482.2); c.968G>A, p.Ser323Asn (NM_001322483.2, NM_001322484.2); c.869G>A, p.Ser290Asn (NM_001322485.2); short protein forms S122N, S323N, S359N, S446N, S290N, S326N, S413N.
Identifiers: ClinVar variation 1509608 (VCV001509608.7), dbSNP rs1377296947, ClinGen allele CA378046976.
Genomic context (GRCh38, chr10:98,424,373, plus strand): 5'-TCCCAGGAGGATCCGGGCTCACTTTTGGAGAAAGCCTTGGCCTTAAACTCCAGCCAGGTG[C>T]TCTGGAAGGAAGACAGGGGGCAGGTTTGCATCCCGACCATATTTCCAGTGAGGTCCAGGC-3'
Protein context (NP_000186.2, residues 436-456): VKNRGAQEIQ[Ser446Asn]TWLEFKAKAF

ClinVar aggregate classification (germline): Uncertain significance. Review status: criteria provided, multiple submitters, no conflicts (2 of 4 stars). 2 submissions from 2 submitters: Uncertain significance (2). Last evaluated 2024-03-20.

Conditions:
Hermansky-Pudlak syndrome 1 (HPS1). Also called: DELTA STORAGE POOL DISEASE. Identifiers: Orphanet 231500, Orphanet 79430, MedGen C2931875, MONDO:0008748, OMIM 203300.

Allele frequency attached by ClinVar (database versions not stated): gnomAD exomes 0.00001 and 0.00002.
gnomAD v4.1: 26 of 1,612,208 alleles (0.0016%); highest among the groups gnomAD compares: South Asian, 0.0033%; no homozygotes.

Submissions (2):

Fulgent Genetics
Classification: Uncertain significance for Hermansky-Pudlak syndrome 1. Last evaluated: 2024-03-20. Review status: criteria provided, single submitter. Criteria: ACMG Guidelines, 2015. Collection method: clinical testing. Allele origin: germline.

Labcorp Genetics (formerly Invitae), Labcorp
Classification: Uncertain significance. Last evaluated: 2022-02-05. Review status: criteria provided, single submitter. Criteria: Invitae Variant Classification Sherloc (09022015). Collection method: clinical testing. Allele origin: germline.
Comment: Algorithms developed to predict the effect of missense changes on protein structure and function output the following: SIFT: "Tolerated"; PolyPhen-2: "Benign"; Align-GVGD: "Class C0". The asparagine amino acid residue is found in multiple mammalian species, which suggests that this missense change does not adversely affect protein function. This variant has not been reported in the literature in individuals affected with HPS1-related conditions. This variant is present in population databases (no rsID available, gnomAD 0.007%). This sequence change replaces serine, which is neutral and polar, with asparagine, which is neutral and polar, at codon 446 of the HPS1 protein (p.Ser446Asn). In summary, the available evidence is currently insufficient to determine the role of this variant in disease. Therefore, it has been classified as a Variant of Uncertain Significance.